The following is an entry in ClinVar:

ClinVar aggregate classification (germline): Uncertain significance (1 of 4 stars; one submission).

Conditions:
Autosomal dominant limb-girdle muscular dystrophy type 1G (LGMDD3). Also called: Limb-girdle muscular dystrophy, type 1G; MUSCULAR DYSTROPHY, LIMB-GIRDLE, AUTOSOMAL DOMINANT 3. Identifiers: Orphanet 55596, MedGen C1836765, MONDO:0012193, OMIM 609115.

Allele frequency attached by ClinVar (database versions not stated): ExAC 0.00001; gnomAD 0.00001; gnomAD exomes 0.00001; TOPMed 0.00002.

Submission:

Labcorp Genetics (formerly Invitae), Labcorp
Classification: Uncertain significance for Autosomal dominant limb-girdle muscular dystrophy type 1G. Last evaluated: 2025-01-28. Review status: criteria provided, single submitter. Criteria: Invitae Variant Classification Sherloc (09022015). Collection method: clinical testing. Allele origin: germline.
Comment: This sequence change affects codon 294 of the HNRNPDL mRNA. It is a 'silent' change, meaning that it does not change the encoded amino acid sequence of the HNRNPDL protein. This variant is present in population databases (rs764701660, gnomAD 0.002%). This variant has not been reported in the literature in individuals affected with HNRNPDL-related conditions. ClinVar contains an entry for this variant (Variation ID: 1429048). Algorithms developed to predict the effect of sequence changes on RNA splicing suggest that this variant may disrupt the consensus splice site. In summary, the available evidence is currently insufficient to determine the role of this variant in disease. Therefore, it has been classified as a Variant of Uncertain Significance.

NM_031372.4(HNRNPDL):c.882A>G (p.Arg294=)

Gene: HNRNPDL (heterogeneous nuclear ribonucleoprotein D like; minus strand). Cytogenetic location: 4q21.22.
Variant type: single nucleotide variant.
Coding change: c.882A>G on transcript NM_031372.4 (MANE Select); coding-DNA position 882, A replaced by G.
Protein change: p.Arg294=; no amino-acid change (arginine 294 retained).
Molecular consequence: synonymous variant. On other transcripts: non-coding transcript variant (1).
Genome position (GRCh38, 1-based): chr4:82,427,457, T>C on the plus strand (A>G on the coding strand, the complement: HNRNPDL is on the minus strand). VCF-style: chr4-82427457-T-C. GRCh37 (hg19) VCF-style: chr4-83348610-T-C.
Other names: c.882A>G, p.Arg294= (NM_001207000.1).
Identifiers: ClinVar variation 1429048 (VCV001429048.6), dbSNP rs764701660, ClinGen allele CA2984859.
Genomic context (GRCh38, chr4:82,427,457, plus strand): 5'-TTTAAATTTTCATTTAAAGTGCTTAAATGGCTTTACCTTCCCAGAACCAATTTGATGGTA[T>C]CTGCTTTCTAACAATTTTTTTACTGGCTCTTCATCAGTATATGTGATAAAACAAAATCCT-3'
Protein context (NP_112740.1, residues 284-304): EEPVKKLLES[Arg294=]YHQIGSGKCE